The following is an entry in ClinVar:

ClinVar aggregate classification (germline): Uncertain significance (1 of 4 stars; one submission).

gnomAD v4.1: 18 of 1,613,110 alleles (0.0011%); highest among the groups gnomAD compares: Admixed American, 0.0017%; no homozygotes.

Submission:

Labcorp Genetics (formerly Invitae), Labcorp
Classification: Uncertain significance. Last evaluated: 2022-06-28. Review status: criteria provided, single submitter. Criteria: Invitae Variant Classification Sherloc (09022015). Collection method: clinical testing. Allele origin: germline.
Comment: This sequence change replaces proline, which is neutral and non-polar, with arginine, which is basic and polar, at codon 726 of the COL18A1 protein (p.Pro726Arg). This variant is present in population databases (rs758130407, gnomAD 0.01%). This variant has not been reported in the literature in individuals affected with COL18A1-related conditions. Experimental studies and prediction algorithms are not available or were not evaluated, and the functional significance of this variant is currently unknown. In summary, the available evidence is currently insufficient to determine the role of this variant in disease. Therefore, it has been classified as a Variant of Uncertain Significance.

NM_001379500.1(COL18A1):c.2177C>G (p.Pro726Arg)

Gene: COL18A1 (collagen type XVIII alpha 1 chain; plus strand). Cytogenetic location: 21q22.3.
Variant type: single nucleotide variant.
Coding change: c.2177C>G on transcript NM_001379500.1 (MANE Select); coding-DNA position 2177, C replaced by G.
Protein change: p.Pro726Arg; replaces proline 726 with arginine.
Molecular consequence: missense variant.
Genome position (GRCh38, 1-based): chr21:45,492,554, C>G. VCF-style: chr21-45492554-C-G. GRCh37 (hg19) VCF-style: chr21-46912468-C-G.
Other names: c.2717C>G, p.Pro906Arg (NM_030582.4); c.3422C>G, p.Pro1141Arg (NM_130444.3); short protein forms P1141R, P906R, P726R.
Identifiers: ClinVar variation 1477194 (VCV001477194.3), dbSNP rs758130407, ClinGen allele CA10066873.